The following is an entry in ClinVar:

ClinVar aggregate classification (germline): Uncertain significance. Review status: criteria provided, multiple submitters, no conflicts (2 of 4 stars). 3 submissions from 3 submitters: Uncertain significance (3). Last evaluated 2026-03-01.

Conditions:
Familial temporal lobe epilepsy 7. Identifiers: Orphanet 101046, MedGen C4225327, MONDO:0014639, OMIM 616436.
Norman-Roberts syndrome (LIS2). Also called: Lissencephaly 2 (Norman-Roberts type). Identifiers: Orphanet 89844, MedGen C0796089, MONDO:0009760, OMIM 257320.
Inborn genetic diseases. Identifiers: MedGen C0950123, MeSH D030342.

Allele frequency attached by ClinVar (database versions not stated): ExAC 0.00001; gnomAD exomes 0.00001 and 0.00002; gnomAD 0.00002; TOPMed 0.00002; ESP Exome Variant Server 0.00008.
gnomAD v4.1: 28 of 1,613,896 alleles (0.0017%); highest among the groups gnomAD compares: Admixed American, 0.0033%; no homozygotes.

Submissions (3):

CeGaT Center for Human Genetics Tuebingen
Classification: Uncertain significance. Last evaluated: 2026-03-01. Review status: criteria provided, single submitter. Criteria: CeGaT Center For Human Genetics Tuebingen Variant Classification Criteria Version 2. Collection method: clinical testing. Allele origin: germline. Affected: yes. Observed: 1 variant allele.
Comment: RELN: PM2, BP4

Labcorp Genetics (formerly Invitae), Labcorp
Classification: Uncertain significance for Familial temporal lobe epilepsy 7; Norman-Roberts syndrome. Last evaluated: 2025-05-19. Review status: criteria provided, single submitter. Criteria: Invitae Variant Classification Sherloc (09022015). Collection method: clinical testing. Allele origin: germline.
Comment: This sequence change replaces glutamic acid, which is acidic and polar, with lysine, which is basic and polar, at codon 2511 of the RELN protein (p.Glu2511Lys). This variant is present in population databases (rs367906773, gnomAD 0.003%). This variant has not been reported in the literature in individuals affected with RELN-related conditions. ClinVar contains an entry for this variant (Variation ID: 1525465). Invitae Evidence Modeling of protein sequence and biophysical properties (such as structural, functional, and spatial information, amino acid conservation, physicochemical variation, residue mobility, and thermodynamic stability) indicates that this missense variant is not expected to disrupt RELN protein function with a negative predictive value of 80%. In summary, the available evidence is currently insufficient to determine the role of this variant in disease. Therefore, it has been classified as a Variant of Uncertain Significance.

Ambry Genetics
Classification: Uncertain significance for Inborn genetic diseases. Last evaluated: 2024-11-29. Review status: criteria provided, single submitter. Criteria: Ambry Variant Classification Scheme 2023. Collection method: clinical testing. Allele origin: germline.

NM_005045.4(RELN):c.7531G>A (p.Glu2511Lys)

Gene: RELN (reelin; minus strand). Cytogenetic location: 7q22.1.
Variant type: single nucleotide variant.
Coding change: c.7531G>A on transcript NM_005045.4 (MANE Select); coding-DNA position 7531, G replaced by A.
Protein change: p.Glu2511Lys; replaces glutamic acid 2511 with lysine.
Molecular consequence: missense variant.
Genome position (GRCh38, 1-based): chr7:103,522,159, C>T on the plus strand (G>A on the coding strand, the complement: RELN is on the minus strand). VCF-style: chr7-103522159-C-T. GRCh37 (hg19) VCF-style: chr7-103162606-C-T.
Other names: c.7531G>A (NM_005045.3); c.7531G>A, p.Glu2511Lys (NM_173054.3); short protein forms E2511K.
Identifiers: ClinVar variation 1525465 (VCV001525465.11), dbSNP rs367906773, ClinGen allele CA4420717.